The following is an entry in ClinVar:

NM_182943.3(PLOD2):c.1630A>G (p.Thr544Ala)

Gene: PLOD2 (procollagen-lysine,2-oxoglutarate 5-dioxygenase 2; minus strand). Cytogenetic location: 3q24.
Variant type: single nucleotide variant.
Coding change: c.1630A>G on transcript NM_182943.3 (MANE Select); coding-DNA position 1630, A replaced by G.
Protein change: p.Thr544Ala; replaces threonine 544 with alanine.
Molecular consequence: missense variant.
Genome position (GRCh38, 1-based): chr3:146,076,829, T>C on the plus strand (A>G on the coding strand, the complement: PLOD2 is on the minus strand). VCF-style: chr3-146076829-T-C. GRCh37 (hg19) VCF-style: chr3-145794616-T-C.
Other names: p.Thr544Ala; c.1567A>G, p.Thr523Ala (NM_000935.3); short protein forms T523A, T544A.
Identifiers: ClinVar variation 4540932 (VCV004540932.1).
Genomic context (GRCh38, chr3:146,076,829, plus strand): 5'-ATGAAATACATACCACAGGATTTTCAAAAATCTGCCAGAGGTCATTGTTATAATGGGAAG[T>C]ATTGTAATTAGCAGTGGATAATAGCCTTCCAAATTCATGTCTATTAGAAATGTACATAAA-3'
Protein context (NP_891988.1, residues 534-554): GRLLSTANYN[Thr544Ala]SHYNNDLWQI

ClinVar aggregate classification (germline): Uncertain significance (1 of 4 stars; one submission).

gnomAD v4.1: 1 of 1,591,338 alleles (0.000063%); highest among the groups gnomAD compares: African/African-American, 0.0013%; no homozygotes.

Submission:

Mayo Clinic Laboratories, Mayo Clinic
Classification: Uncertain significance. Last evaluated: 2025-02-13. Review status: criteria provided, single submitter. Criteria: ACMG Guidelines, 2015. Collection method: clinical testing. Allele origin: germline. Observed: 1 variant allele.
Comment: PM2_supporting